The following is an entry in ClinVar:

ClinVar aggregate classification (germline): Uncertain significance (1 of 4 stars; one submission).

Submission:

GeneDx
Classification: Uncertain significance. Last evaluated: 2026-04-05. Review status: criteria provided, single submitter. Criteria: GeneDx Variant Classification Process June 2021. Collection method: clinical testing. Allele origin: germline.
Comment: Not observed at significant frequency in large population cohorts (gnomAD); In silico analysis supports that this missense variant has a deleterious effect on protein structure/function; Has not been previously published as pathogenic or benign to our knowledge

NM_002224.4(ITPR3):c.708A>T (p.Lys236Asn)

Gene: ITPR3 (inositol 1,4,5-trisphosphate receptor type 3; plus strand). Cytogenetic location: 6p21.31.
Variant type: single nucleotide variant.
Coding change: c.708A>T on transcript NM_002224.4 (MANE Select); coding-DNA position 708, A replaced by T.
Protein change: p.Lys236Asn; replaces lysine 236 with asparagine.
Molecular consequence: missense variant.
Genome position (GRCh38, 1-based): chr6:33,659,546, A>T. VCF-style: chr6-33659546-A-T. GRCh37 (hg19) VCF-style: chr6-33627323-A-T.
Other names: short protein forms K236N.
Identifiers: ClinVar variation 5016896 (VCV005016896.1).
Genomic context (GRCh38, chr6:33,659,546, plus strand): 5'-CACCAGCTGGAAGATCAACCTGTTTATGCAGTTTCGGGACCACCTGGAGGAGGTGTTGAA[A>T]GGGGTAAGGACTGGGAACCCCTGCCCTGCCCAGCTGGCCACCTAGCCCTCCCCACCAGGG-3'
Protein context (NP_002215.2, residues 226-246): QFRDHLEEVL[Lys236Asn]GGDVVRLFHA